The following is an entry in ClinVar:

ClinVar aggregate classification (germline): Uncertain significance (1 of 4 stars; one submission).

Allele frequency attached by ClinVar (database versions not stated): gnomAD exomes 0.00001.
gnomAD v4.1: 3 of 1,614,210 alleles (0.00019%); highest among the groups gnomAD compares: Admixed American, 0.005%; no homozygotes.

Submission:

Women's Health and Genetics/Laboratory Corporation of America, LabCorp
Classification: Uncertain significance. Last evaluated: 2018-03-13. Review status: criteria provided, single submitter. Criteria: LabCorp Variant Classification Summary - May 2015. Collection method: clinical testing. Allele origin: germline.
Comment: Variant summary: CD40 c.188G>A (p.Gly63Asp) results in a non-conservative amino acid change located in the N-terminal of the TNFR 5, (IPR034021) and the TNFR/NGFR cysteine-rich region (IPR001368) domains of the encoded protein sequence. Four of five in-silico tools predict a benign effect of the variant on protein function. The variant allele was found at a frequency of 8.1e-06 in 246262 control chromosomes (gnomAD). This frequency is not significantly higher than expected for a pathogenic variant in CD40 causing Hyper IgM Syndrome Type 3 (8.1e-06 vs 1.60e-04), allowing no conclusion about variant significance. To our knowledge, no occurrence of c.188G>A in individuals affected with Hyper IgM Syndrome Type 3 and no experimental evidence demonstrating its impact on protein function have been reported. No clinical diagnostic laboratories have submitted clinical-significance assessments for this variant to ClinVar after 2014. Based on the evidence outlined above, the variant was classified as uncertain significance.

NM_001250.6(CD40):c.188G>A (p.Gly63Asp)

Gene: CD40 (CD40 molecule; plus strand). Cytogenetic location: 20q13.12.
Variant type: single nucleotide variant.
Coding change: c.188G>A on transcript NM_001250.6 (MANE Select); coding-DNA position 188, G replaced by A.
Protein change: p.Gly63Asp; replaces glycine 63 with aspartic acid.
Molecular consequence: missense variant. On other transcripts: non-coding transcript variant (2).
Genome position (GRCh38, 1-based): chr20:46,122,290, G>A. VCF-style: chr20-46122290-G-A. GRCh37 (hg19) VCF-style: chr20-44750929-G-A.
Other names: c.188G>A, p.Gly63Asp (NM_001302753.2, NM_001322421.2, NM_001322422.2 and 2 more transcripts); short protein forms G63D.
Identifiers: ClinVar variation 632741 (VCV000632741.1), dbSNP rs1261429888, ClinGen allele CA409203646.